The following is an entry in ClinVar:

ClinVar aggregate classification (germline): Uncertain significance (1 of 4 stars; one submission).

Conditions:
Glycogen storage disease, type II (IOPD). Also called: Pompe Disease; CARDIOMEGALIA GLYCOGENICA DIFFUSA; GLYCOGENOSIS, GENERALIZED, CARDIAC FORM; GSD II; POMPE DISEASE, INFANTILE-ONSET; GLYCOGEN STORAGE DISEASE II, INFANTILE-ONSET. Identifiers: Orphanet 365, MedGen C0017921, MONDO:0009290, OMIM 232300.

gnomAD v4.1: 1 of 1,612,832 alleles (0.000062%); highest among the groups gnomAD compares: Non-Finnish European, 0.000085%; no homozygotes.

Submission:

Genomenon, Inc
Classification: Uncertain significance for Glycogen storage disease, type II. Last evaluated: 2026-07-01. Review status: criteria provided, single submitter. Criteria: Genomenon Sequence Variant Interpretation Standards - Updated. Collection method: curation. Allele origin: germline. Affected: yes.
Comment: GAA p.Asp443Val (c.1328A>T) is a missense variant that changes the amino acid at codon 443 from Aspartic acid to Valine. This variant has been observed in at least one proband with a GAA-related disorder in the compound heterozygous and/or homozygous state (PMID:34020684). It is absent or not present at a significant frequency in gnomAD. In silico models predict that this variant is possibly or probably damaging. In conclusion, we classify GAA p.Asp443Val (c.1328A>T) as a variant of uncertain significance.

Literature cited by the submitters: PubMed 34020684.

NM_000152.5(GAA):c.1328A>T (p.Asp443Val)

Gene: GAA (alpha glucosidase; plus strand). Cytogenetic location: 17q25.3.
Variant type: single nucleotide variant.
Coding change: c.1328A>T on transcript NM_000152.5 (MANE Select); coding-DNA position 1328, A replaced by T.
Protein change: p.Asp443Val; replaces aspartic acid 443 with valine.
Molecular consequence: missense variant.
Genome position (GRCh38, 1-based): chr17:80,109,946, A>T. VCF-style: chr17-80109946-A-T. GRCh37 (hg19) VCF-style: chr17-78083745-A-T.
Other names: c.1328A>T, p.Asp443Val (NM_001079803.3, NM_001079804.3, NM_001406741.1 and 1 more transcripts); short protein forms D443V.
Identifiers: ClinVar variation 4876470 (VCV004876470.1).
Genomic context (GRCh38, chr17:80,109,946, plus strand): 5'-CCGTGGCTGGCGCCAGGGCTCTGGGCCACCCTCACCTTGACAGGTTTCCCTCTTCCCAGG[A>T]TCCTGCCATCAGCAGCTCGGGCCCTGCCGGGAGCTACAGGCCCTACGACGAGGGTCTGCG-3'
Protein context (NP_000143.2, residues 433-453): QGGRRYMMIV[Asp443Val]PAISSSGPAG